The following is an entry in ClinVar:

NM_004984.4(KIF5A):c.1946G>T (p.Ser649Ile)

Gene: KIF5A (kinesin family member 5A; plus strand). Cytogenetic location: 12q13.3.
Variant type: single nucleotide variant.
Coding change: c.1946G>T on transcript NM_004984.4 (MANE Select); coding-DNA position 1946, G replaced by T.
Protein change: p.Ser649Ile; replaces serine 649 with isoleucine.
Molecular consequence: missense variant.
Genome position (GRCh38, 1-based): chr12:57,575,680, G>T. VCF-style: chr12-57575680-G-T. GRCh37 (hg19) VCF-style: chr12-57969463-G-T.
Other names: c.1679G>T, p.Ser560Ile (NM_001354705.2); short protein forms S649I, S560I.
Identifiers: ClinVar variation 3637615 (VCV003637615.2).
Genomic context (GRCh38, chr12:57,575,680, plus strand): 5'-CACCAACTTTCTCCCACCAGCATGAGGCCAAGATCCGCTCGCTTACGGAATACATGCAGA[G>T]CGTGGAGCTAAAGAAGCGGCACCTGGAAGAGTCCTATGACTCCTTGAGCGATGAGCTGGC-3'
Protein context (NP_004975.2, residues 639-659): KIRSLTEYMQ[Ser649Ile]VELKKRHLEE

ClinVar aggregate classification (germline): Uncertain significance (1 of 4 stars; one submission).

Conditions:
Spastic paraplegia. Identifiers: MedGen C0037772, HP:0001258.

Submission:

Labcorp Genetics (formerly Invitae), Labcorp
Classification: Uncertain significance for Spastic paraplegia. Last evaluated: 2024-09-12. Review status: criteria provided, single submitter. Criteria: Invitae Variant Classification Sherloc (09022015). Collection method: clinical testing. Allele origin: germline.
Comment: This sequence change replaces serine, which is neutral and polar, with isoleucine, which is neutral and non-polar, at codon 649 of the KIF5A protein (p.Ser649Ile). This variant is not present in population databases (gnomAD no frequency). This variant has not been reported in the literature in individuals affected with KIF5A-related conditions. Invitae Evidence Modeling of protein sequence and biophysical properties (such as structural, functional, and spatial information, amino acid conservation, physicochemical variation, residue mobility, and thermodynamic stability) indicates that this missense variant is not expected to disrupt KIF5A protein function with a negative predictive value of 95%. In summary, the available evidence is currently insufficient to determine the role of this variant in disease. Therefore, it has been classified as a Variant of Uncertain Significance.